The following is an entry in ClinVar:

ClinVar aggregate classification (germline): Uncertain significance. Review status: criteria provided, multiple submitters, no conflicts (2 of 4 stars). 2 submissions from 2 submitters: Uncertain significance (2). Last evaluated 2025-11-30.

Conditions:
Cornelia de Lange syndrome 1 (CDLS1). Also called: NIPBL-Related Cornelia de Lange Syndrome; Brachmann de Lange syndrome; TYPUS DEGENERATIVUS AMSTELODAMENSIS. Identifiers: Orphanet 199, MedGen C4551851, MONDO:0007387, OMIM 122470.

Submissions (2):

Labcorp Genetics (formerly Invitae), Labcorp
Classification: Uncertain significance for Cornelia de Lange syndrome 1. Last evaluated: 2025-11-30. Review status: criteria provided, single submitter. Criteria: Invitae Variant Classification Sherloc (09022015). Collection method: clinical testing. Allele origin: germline.
Comment: This sequence change replaces threonine, which is neutral and polar, with lysine, which is basic and polar, at codon 1313 of the NIPBL protein (p.Thr1313Lys). This variant is not present in population databases (gnomAD no frequency). This missense change has been observed in individual(s) with Cornelia de Lange syndrome (PMID: 31157197). In at least one individual the variant was observed to be de novo. ClinVar contains an entry for this variant (Variation ID: 281711). Invitae Evidence Modeling of protein sequence and biophysical properties (such as structural, functional, and spatial information, amino acid conservation, physicochemical variation, residue mobility, and thermodynamic stability) has been performed for this missense variant. However, the output from this modeling did not meet the statistical confidence thresholds required to predict the impact of this variant on NIPBL protein function. In summary, the available evidence is currently insufficient to determine the role of this variant in disease. Therefore, it has been classified as a Variant of Uncertain Significance.

Eurofins Ntd Llc (ga)
Classification: Uncertain significance. Last evaluated: 2015-07-20. Review status: criteria provided, single submitter. Criteria: EGL Classification Definitions 2015. Collection method: clinical testing. Allele origin: germline. Observed: 1 variant allele, 1 heterozygote.

Literature cited by the submitters: PubMed 31157197 (cited by Labcorp Genetics (formerly Invitae), Labcorp).

NM_133433.4(NIPBL):c.3938C>A (p.Thr1313Lys)

Gene: NIPBL (NIPBL cohesin loading factor; plus strand). Cytogenetic location: 5p13.2.
Variant type: single nucleotide variant.
Coding change: c.3938C>A on transcript NM_133433.4 (MANE Select); coding-DNA position 3938, C replaced by A.
Protein change: p.Thr1313Lys; replaces threonine 1313 with lysine.
Molecular consequence: missense variant.
Genome position (GRCh38, 1-based): chr5:37,006,439, C>A. VCF-style: chr5-37006439-C-A. GRCh37 (hg19) VCF-style: chr5-37006541-C-A.
Other names: c.3938C>A, p.Thr1313Lys (NM_015384.5); short protein forms T1313K.
Identifiers: ClinVar variation 281711 (VCV000281711.8), dbSNP rs886042218, ClinGen allele CA10603951.